The following is an entry in ClinVar:

ClinVar aggregate classification (germline): Uncertain significance (1 of 4 stars; one submission).

gnomAD v4.1: 1 of 1,613,784 alleles (0.000062%); highest among the groups gnomAD compares: African/African-American, 0.0013%; no homozygotes.

Submission:

Labcorp Genetics (formerly Invitae), Labcorp
Classification: Uncertain significance. Last evaluated: 2024-09-06. Review status: criteria provided, single submitter. Criteria: Invitae Variant Classification Sherloc (09022015). Collection method: clinical testing. Allele origin: germline.
Comment: This sequence change replaces glutamic acid, which is acidic and polar, with aspartic acid, which is acidic and polar, at codon 503 of the ALPK3 protein (p.Glu503Asp). This variant is not present in population databases (gnomAD no frequency). This variant has not been reported in the literature in individuals affected with ALPK3-related conditions. An algorithm developed to predict the effect of missense changes on protein structure and function (PolyPhen-2) suggests that this variant is likely to be disruptive. In summary, the available evidence is currently insufficient to determine the role of this variant in disease. Therefore, it has been classified as a Variant of Uncertain Significance.

NM_020778.5(ALPK3):c.903G>T (p.Glu301Asp)

Gene: ALPK3 (alpha kinase 3; plus strand). Cytogenetic location: 15q25.3.
Variant type: single nucleotide variant.
Coding change: c.903G>T on transcript NM_020778.5 (MANE Select); coding-DNA position 903, G replaced by T.
Protein change: p.Glu301Asp; replaces glutamic acid 301 with aspartic acid.
Molecular consequence: missense variant.
Genome position (GRCh38, 1-based): chr15:84,840,182, G>T. VCF-style: chr15-84840182-G-T. GRCh37 (hg19) VCF-style: chr15-85383413-G-T.
Other names: short protein forms E301D.
Identifiers: ClinVar variation 3664538 (VCV003664538.2).